The following is an entry in ClinVar:

NM_006361.6(HOXB13):c.378G>A (p.Glu126=)

Gene: HOXB13 (homeobox B13; minus strand). Cytogenetic location: 17q21.32.
Variant type: single nucleotide variant.
Coding change: c.378G>A on transcript NM_006361.6 (MANE Select); coding-DNA position 378, G replaced by A.
Protein change: p.Glu126=; no amino-acid change (glutamic acid 126 retained).
Molecular consequence: synonymous variant.
Genome position (GRCh38, 1-based): chr17:48,728,216, C>T on the plus strand (G>A on the coding strand, the complement: HOXB13 is on the minus strand). VCF-style: chr17-48728216-C-T. GRCh37 (hg19) VCF-style: chr17-46805578-C-T.
Identifiers: ClinVar variation 3773150 (VCV003773150.1).

ClinVar aggregate classification (germline): Benign (1 of 4 stars; one submission).

Conditions:
Prostate cancer, hereditary, 9 (HPC9). Identifiers: Orphanet 1331, MedGen C1970250, MONDO:0012597, OMIM 610997.

Submission:

Myriad Genetics, Inc.
Classification: Benign for Prostate cancer, hereditary, 9. Last evaluated: 2024-10-29. Review status: criteria provided, single submitter. Criteria: Myriad Autosomal Dominant, Autosomal Recessive and X-Linked Classification Criteria (2023). Collection method: clinical testing. Allele origin: unknown.
Comment: This variant is considered benign. This variant is a silent/synonymous amino acid change and it is not expected to impact splicing.